The following is an entry in ClinVar:

ClinVar aggregate classification (germline): Uncertain significance (1 of 4 stars; one submission).

Allele frequency attached by ClinVar (database versions not stated): gnomAD exomes below 0.00001.

Submission:

GeneDx
Classification: Uncertain significance. Last evaluated: 2023-03-06. Review status: criteria provided, single submitter. Criteria: GeneDx Variant Classification Process June 2021. Collection method: clinical testing. Allele origin: germline. Affected: yes.
Comment: Not observed at significant frequency in large population cohorts (gnomAD); In silico analysis supports that this missense variant does not alter protein structure/function; Has not been previously published as pathogenic or benign to our knowledge

NM_003221.4(TFAP2B):c.563G>A (p.Ser188Asn)

Gene: TFAP2B (transcription factor AP-2 beta; plus strand). Cytogenetic location: 6p12.3.
Variant type: single nucleotide variant.
Coding change: c.563G>A on transcript NM_003221.4 (MANE Select); coding-DNA position 563, G replaced by A.
Protein change: p.Ser188Asn; replaces serine 188 with asparagine.
Molecular consequence: missense variant.
Genome position (GRCh38, 1-based): chr6:50,828,641, G>A. VCF-style: chr6-50828641-G-A. GRCh37 (hg19) VCF-style: chr6-50796354-G-A.
Other names: short protein forms S188N.
Identifiers: ClinVar variation 2579464 (VCV002579464.1), dbSNP rs2533123638, ClinGen allele CA364413827.